The following is an entry in ClinVar:

ClinVar aggregate classification (germline): Uncertain significance (1 of 4 stars; one submission).

Conditions:
Baller-Gerold syndrome (BGS). Also called: CRANIOSYNOSTOSIS WITH RADIAL DEFECTS. Identifiers: Orphanet 1225, MedGen C0265308, MONDO:0009039, OMIM 218600.

Submission:

Labcorp Genetics (formerly Invitae), Labcorp
Classification: Uncertain significance for Baller-Gerold syndrome. Last evaluated: 2023-10-04. Review status: criteria provided, single submitter. Criteria: Invitae Variant Classification Sherloc (09022015). Collection method: clinical testing. Allele origin: germline.
Comment: This variant, c.917_922dup, results in the insertion of 2 amino acid(s) of the RECQL4 protein (p.Gln306_Pro307dup), but otherwise preserves the integrity of the reading frame. This variant is not present in population databases (gnomAD no frequency). This variant has not been reported in the literature in individuals affected with RECQL4-related conditions. In summary, the available evidence is currently insufficient to determine the role of this variant in disease. Therefore, it has been classified as a Variant of Uncertain Significance.

NM_004260.4(RECQL4):c.917_922dup (p.Pro307_Pro308insGlnPro)

Gene: RECQL4 (RecQ like helicase 4; minus strand). Cytogenetic location: 8q24.3.
Variant type: Duplication.
Coding change: c.917_922dup on transcript NM_004260.4 (MANE Select); coding-DNA positions 917 to 922, 6 bases duplicated (AGCCAC; older notation c.917_922dupAGCCAC).
Protein change: p.Pro307_Pro308insGlnPro.
Molecular consequence: inframe insertion. On other transcripts: 5 prime UTR variant (17), non-coding transcript variant (3).
Genome position (GRCh38, 1-based): chr8:144,516,197-144,516,202, GTGGCT duplicated on the plus strand (AGCCAC on the coding strand, the reverse complement: RECQL4 is on the minus strand); duplicating any 6 consecutive bases within chr8:144,516,197-144,516,205 gives the same sequence; the c. name uses the placement nearest the transcript's 3' end. VCF-style (leftmost placement, unchanged base first): chr8-144516196-G-GGTGGCT. GRCh37 (hg19) VCF-style: chr8-145741580-G-GGTGGCT.
Other names: c.-155_-150dup (NM_001413021.1, NM_001413022.1, NM_001413023.1 and 7 more transcripts); c.788_793dup, p.Pro264_Pro265insGlnPro (NM_001413025.1); c.-217_-212dup (NM_001413027.1, NM_001413030.1, NM_001413031.1 and 2 more transcripts); c.917_922dup, p.Pro307_Pro308insGlnPro (NM_001413017.1, NM_001413018.1, NM_001413019.1 and 4 more transcripts); c.566_571dup, p.Pro190_Pro191insGlnPro (NM_001413029.1); c.-59_-54dup (NM_001413034.1); c.-424_-419dup (NM_001413043.1).
Identifiers: ClinVar variation 2764531 (VCV002764531.3), dbSNP rs2538086040, ClinGen allele CA2697550242.
Genomic context (GRCh38, chr8:144,516,196, plus strand): 5'-GCTTGACTGGAGGGGCTGAGTCCGTGGTACCTGGGGTTCGATGGGCTGCTGCAGGGCTGA[G>GGTGGCT]GTGGCTGTGCCTGTACAGGTTCCCCTGGAGGGTCTTCCTCAACTGCTACAGCCCCAGCCC-3'